The following is an entry in ClinVar:

NM_005720.4(ARPC1B):c.51C>G (p.Asn17Lys)

Gene: ARPC1B (actin related protein 2/3 complex subunit 1B; plus strand). Cytogenetic location: 7q22.1.
Variant type: single nucleotide variant.
Coding change: c.51C>G on transcript NM_005720.4 (MANE Select); coding-DNA position 51, C replaced by G.
Protein change: p.Asn17Lys; replaces asparagine 17 with lysine.
Molecular consequence: missense variant.
Genome position (GRCh38, 1-based): chr7:99,385,765, C>G. VCF-style: chr7-99385765-C-G. GRCh37 (hg19) VCF-style: chr7-98983388-C-G.
Other names: short protein forms N17K.
Identifiers: ClinVar variation 1464016 (VCV001464016.10), dbSNP rs142972568, ClinGen allele CA4363857.

ClinVar aggregate classification (germline): Uncertain significance. Review status: criteria provided, multiple submitters, no conflicts (2 of 4 stars). 2 submissions from 2 submitters: Uncertain significance (2). Last evaluated 2025-03-04.

Allele frequency attached by ClinVar (database versions not stated): TOPMed 0.00008; gnomAD 0.00009 and 0.00010; ESP Exome Variant Server 0.00015; gnomAD exomes 0.00020 and 0.00025; ExAC 0.00037.
gnomAD v4.1: 304 of 1,610,334 alleles (0.019%); highest among the groups gnomAD compares: South Asian, 0.096%; 3 homozygotes.

Submissions (2):

Center for Genomic Medicine, Rigshospitalet, Copenhagen University Hospital
Classification: Uncertain significance. Last evaluated: 2025-03-04. Review status: criteria provided, single submitter. Criteria: ACMG Guidelines, 2015. Collection method: clinical testing. Allele origin: germline.

Labcorp Genetics (formerly Invitae), Labcorp
Classification: Uncertain significance. Last evaluated: 2024-01-22. Review status: criteria provided, single submitter. Criteria: Invitae Variant Classification Sherloc (09022015). Collection method: clinical testing. Allele origin: germline.
Comment: This sequence change replaces asparagine, which is neutral and polar, with lysine, which is basic and polar, at codon 17 of the ARPC1B protein (p.Asn17Lys). This variant is present in population databases (rs142972568, gnomAD 0.1%), including at least one homozygous and/or hemizygous individual. This variant has not been reported in the literature in individuals affected with ARPC1B-related conditions. ClinVar contains an entry for this variant (Variation ID: 1464016). Advanced modeling of protein sequence and biophysical properties (such as structural, functional, and spatial information, amino acid conservation, physicochemical variation, residue mobility, and thermodynamic stability) has been performed at Invitae for this missense variant, however the output from this modeling did not meet the statistical confidence thresholds required to predict the impact of this variant on ARPC1B protein function. In summary, the available evidence is currently insufficient to determine the role of this variant in disease. Therefore, it has been classified as a Variant of Uncertain Significance.

Literature cited by the submitters: PubMed 28368018 (cited by Center for Genomic Medicine, Rigshospitalet, Copenhagen University Hospital); PubMed 30254128 (cited by Center for Genomic Medicine, Rigshospitalet, Copenhagen University Hospital).